The following is an entry in ClinVar:

ClinVar aggregate classification (germline): Likely pathogenic (1 of 4 stars; one submission).

Conditions:
Bardet-Biedl syndrome (BBS). Identifiers: Orphanet 110, MedGen C0752166, MONDO:0015229.

Submission:

Labcorp Genetics (formerly Invitae), Labcorp
Classification: Likely pathogenic for Bardet-Biedl syndrome. Last evaluated: 2023-02-08. Review status: criteria provided, single submitter. Criteria: Invitae Variant Classification Sherloc (09022015). Collection method: clinical testing. Allele origin: germline.
Comment: This sequence change affects a donor splice site in intron 16 of the BBS7 gene. It is expected to disrupt RNA splicing. Variants that disrupt the donor or acceptor splice site typically lead to a loss of protein function (PMID: 16199547), and loss-of-function variants in BBS7 are known to be pathogenic (PMID: 12567324, 19402160, 21209035, 31196119). This variant is not present in population databases (gnomAD no frequency). This variant has not been reported in the literature in individuals affected with BBS7-related conditions. Algorithms developed to predict the effect of sequence changes on RNA splicing suggest that this variant may disrupt the consensus splice site. In summary, the currently available evidence indicates that the variant is pathogenic, but additional data are needed to prove that conclusively. Therefore, this variant has been classified as Likely Pathogenic.

Literature cited by the submitters: PubMed 16199547; PubMed 12567324; PubMed 19402160; PubMed 21209035; PubMed 31196119.

NM_176824.3(BBS7):c.1786+2T>C

Gene: BBS7 (Bardet-Biedl syndrome 7; minus strand). Cytogenetic location: 4q27.
Variant type: single nucleotide variant.
Coding change: c.1786+2T>C on transcript NM_176824.3 (MANE Select); the canonical splice donor site of the intron after coding-DNA position 1786, T replaced by C.
Molecular consequence: splice donor variant.
Genome position (GRCh38, 1-based): chr4:121,828,617, A>G on the plus strand (T>C on the coding strand, the complement: BBS7 is on the minus strand). VCF-style: chr4-121828617-A-G. GRCh37 (hg19) VCF-style: chr4-122749772-A-G.
Other names: c.1786+2T>C (NM_018190.4).
Identifiers: ClinVar variation 2833624 (VCV002833624.3), dbSNP rs2476803278, ClinGen allele CA358055493.
Genomic context (GRCh38, chr4:121,828,617, plus strand): 5'-TTAATAATGTAACAACAACACAAAATAAACATCAGAAAGAATTATTAATTTTGTTTGTTT[A>G]CCGTATGATATGTTGAGGTTAATTTTCCTTTTTGTAGCTTCTTTAGAAAGCACATCTTTT-3'